The following is an entry in ClinVar:

ClinVar aggregate classification (germline): Likely benign (0 of 4 stars; one submission).

Conditions:
NRP1-related disorder. Also called: NRP1-related condition.

Allele frequency attached by ClinVar (database versions not stated): TOPMed 0.00007; ExAC 0.00008; gnomAD exomes 0.00010; gnomAD 0.00011; 1000 Genomes Project 30x 0.00016; 1000 Genomes Project 0.00020; ESP Exome Variant Server 0.00023.
gnomAD v4.1: 166 of 1,609,852 alleles (0.01%); highest among the groups gnomAD compares: Non-Finnish European, 0.013%; no homozygotes.

Submission:

PreventionGenetics, part of Exact Sciences
Classification: Likely benign for NRP1-related condition. Last evaluated: 2022-01-31. Review status: no assertion criteria provided. Collection method: clinical testing. Allele origin: germline.
Comment: This variant is classified as likely benign based on ACMG/AMP sequence variant interpretation guidelines (Richards et al. 2015 PMID: 25741868, with internal and published modifications).

NM_003873.7(NRP1):c.258C>T (p.Tyr86=)

Gene: NRP1 (neuropilin 1; minus strand). Cytogenetic location: 10p11.22.
Variant type: single nucleotide variant.
Coding change: c.258C>T on transcript NM_003873.7 (MANE Select); coding-DNA position 258, C replaced by T.
Protein change: p.Tyr86=; no amino-acid change (tyrosine 86 retained).
Molecular consequence: synonymous variant.
Genome position (GRCh38, 1-based): chr10:33,270,847, G>A on the plus strand (C>T on the coding strand, the complement: NRP1 is on the minus strand). VCF-style: chr10-33270847-G-A. GRCh37 (hg19) VCF-style: chr10-33559775-G-A.
Other names: c.258C>T, p.Tyr86= (NM_001024628.3, NM_001024629.3, NM_001244972.2 and 2 more transcripts).
Identifiers: ClinVar variation 3054129 (VCV003054129.2), dbSNP rs201588926, ClinGen allele CA5466996.